The following is an entry in ClinVar:

NC_000012.11:g.(?_121426616)_(121438995_?)del

Gene: HNF1A (HNF1 homeobox A; plus strand). Cytogenetic location: 12q24.31.
Variant type: Deletion.
Identifiers: ClinVar variation 3244357 (VCV003244357.1).

ClinVar aggregate classification (germline): Pathogenic (1 of 4 stars; one submission).

Submission:

Labcorp Genetics (formerly Invitae), Labcorp
Classification: Pathogenic. Last evaluated: 2023-06-15. Review status: criteria provided, single submitter. Criteria: Invitae Variant Classification Sherloc (09022015). Collection method: clinical testing. Allele origin: unknown.
Comment: For these reasons, this variant has been classified as Pathogenic. A similar copy number variant has been observed in individuals with maturity-onset diabetes of the young (PMID: 17828387, 23348805). It has also been observed to segregate with disease in related individuals. This variant is a gross deletion of the genomic region encompassing exon(s) 2-10 of the HNF1A gene, which includes the termination codon. This deletion extends beyond the assayed region for this gene and therefore may encompass additional genes. While this deletion is not anticipated to lead to nonsense mediated decay, it is expected to alter mRNA translation or result in a truncated protein product.

Literature cited by the submitters: PubMed 17828387; PubMed 23348805.